The following is an entry in ClinVar:

ClinVar aggregate classification (germline): Uncertain significance (1 of 4 stars; one submission).

Submission:

Labcorp Genetics (formerly Invitae), Labcorp
Classification: Uncertain significance. Last evaluated: 2022-11-15. Review status: criteria provided, single submitter. Criteria: Invitae Variant Classification Sherloc (09022015). Collection method: clinical testing. Allele origin: germline.
Comment: This variant is not present in population databases (gnomAD no frequency). In summary, the available evidence is currently insufficient to determine the role of this variant in disease. Therefore, it has been classified as a Variant of Uncertain Significance. Algorithms developed to predict the effect of missense changes on protein structure and function output the following: SIFT: "Deleterious"; PolyPhen-2: "Benign"; Align-GVGD: "Class C0". The leucine amino acid residue is found in multiple mammalian species, which suggests that this missense change does not adversely affect protein function. ClinVar contains an entry for this variant (Variation ID: 1461471). This variant has not been reported in the literature in individuals affected with VCAN-related conditions. This sequence change replaces proline, which is neutral and non-polar, with leucine, which is neutral and non-polar, at codon 1105 of the VCAN protein (p.Pro1105Leu).

NM_004385.5(VCAN):c.3314C>T (p.Pro1105Leu)

Gene: VCAN (versican; plus strand). Cytogenetic location: 5q14.3.
Variant type: single nucleotide variant.
Coding change: c.3314C>T on transcript NM_004385.5 (MANE Select); coding-DNA position 3314, C replaced by T.
Protein change: p.Pro1105Leu; replaces proline 1105 with leucine.
Molecular consequence: missense variant. On other transcripts: intron variant (2).
Genome position (GRCh38, 1-based): chr5:83,521,620, C>T. VCF-style: chr5-83521620-C-T. GRCh37 (hg19) VCF-style: chr5-82817439-C-T.
Other names: c.3314C>T, p.Pro1105Leu (NM_001164098.2); c.1042+9224C>T (NM_001164097.2, NM_001126336.3); short protein forms P1105L.
Identifiers: ClinVar variation 1461471 (VCV001461471.6), dbSNP rs2112412299, ClinGen allele CA360305798.